The following is an entry in ClinVar:

NM_194277.3(FRMD7):c.1228dup (p.Ser410fs)

Gene: FRMD7 (FERM domain containing 7; minus strand). Cytogenetic location: Xq26.2.
Variant type: Duplication.
Coding change: c.1228dup on transcript NM_194277.3 (MANE Select); coding-DNA position 1228, one base duplicated (A; older notation c.1228dupA).
Protein change: p.Ser410fs; shifts the reading frame from serine 410.
Molecular consequence: frameshift variant.
Genome position (GRCh38, 1-based): chrX:132,078,789, T duplicated on the plus strand (A on the coding strand, the reverse complement: FRMD7 is on the minus strand); the first of 3 consecutive T bases (chrX:132,078,789-132,078,791); duplicating any one gives the same sequence. VCF-style (leftmost placement, unchanged base first): chrX-132078788-C-CT. GRCh37 (hg19) VCF-style: chrX-131212816-C-CT.
Other names: c.1183dup, p.Ser395fs (NM_001306193.2); short protein forms S395fs, S410fs.
Identifiers: ClinVar variation 5007688 (VCV005007688.1).

ClinVar aggregate classification (germline): Likely pathogenic (1 of 4 stars; one submission).

Conditions:
Nystagmus 1, congenital, X-linked. Also called: NYSTAGMUS 1, INFANTILE, X-LINKED; NYSTAGMUS, CONGENITAL MOTOR, 1; FRMD7-Related Infantile Nystagmus; NYSTAGMUS, INFANTILE IDIOPATHIC; NYSTAGMUS, INFANTILE PERIODIC ALTERNATING, X-LINKED. Identifiers: MedGen C1839580, MONDO:0010693, OMIM 310700.

Submission:

Juno Genomics, Hangzhou Juno Genomics, Inc
Classification: Likely pathogenic for Nystagmus 1, congenital, X-linked. Review status: criteria provided, single submitter. Criteria: ACMG Guidelines, 2015. Collection method: clinical testing. Allele origin: germline. Affected: yes.
Comment: Absent from controls (or at extremely low frequency if recessive) in Genome Aggregation Database.;Null variant in a gene where loss of function (LOF) is a known mechanism of disease.;Co-segregation with disease in multiple affected family members.